The following is an entry in ClinVar:

NM_001039591.3(USP9X):c.3844G>A (p.Glu1282Lys)

Gene: USP9X (ubiquitin specific peptidase 9 X-linked; plus strand). Cytogenetic location: Xp11.4.
Variant type: single nucleotide variant.
Coding change: c.3844G>A on transcript NM_001039591.3 (MANE Select); coding-DNA position 3844, G replaced by A.
Protein change: p.Glu1282Lys; replaces glutamic acid 1282 with lysine.
Molecular consequence: missense variant.
Genome position (GRCh38, 1-based): chrX:41,189,342, G>A. VCF-style: chrX-41189342-G-A. GRCh37 (hg19) VCF-style: chrX-41048595-G-A.
Other names: c.3844G>A, p.Glu1282Lys (NM_001039590.3); c.3859G>A, p.Glu1287Lys (NM_001410748.1, NM_001410749.1); short protein forms E1282K, E1287K.
Identifiers: ClinVar variation 2626908 (VCV002626908.5), dbSNP rs2062910645, ClinGen allele CA412768846.

ClinVar aggregate classification (germline): Uncertain significance. Review status: criteria provided, multiple submitters, no conflicts (2 of 4 stars). 2 submissions from 2 submitters: Uncertain significance (2). Last evaluated 2026-01-01.

Allele frequency attached by ClinVar (database versions not stated): gnomAD exomes below 0.00001.
gnomAD v4.1: 1 of 1,210,840 alleles (0.000083%); highest among the groups gnomAD compares: South Asian, 0.0018%; no homozygotes.

Submissions (2):

CeGaT Center for Human Genetics Tuebingen
Classification: Uncertain significance. Last evaluated: 2026-01-01. Review status: criteria provided, single submitter. Criteria: CeGaT Center For Human Genetics Tuebingen Variant Classification Criteria Version 2. Collection method: clinical testing. Allele origin: germline. Affected: yes. Observed: 1 variant allele.

Greenwood Genetic Center Diagnostic Laboratories, Greenwood Genetic Center
Classification: Uncertain significance. Last evaluated: 2023-08-25. Review status: criteria provided, single submitter. Criteria: ACMG Guidelines, 2015. Collection method: clinical testing. Allele origin: germline. Affected: yes.
Comment: PM2, PP2